The following is an entry in ClinVar:

NM_007098.4(CLTCL1):c.1045C>T (p.Leu349=)

Gene: CLTCL1 (clathrin heavy chain like 1; minus strand). Cytogenetic location: 22q11.21.
Variant type: single nucleotide variant.
Coding change: c.1045C>T on transcript NM_007098.4 (MANE Select); coding-DNA position 1045, C replaced by T.
Protein change: p.Leu349=; no amino-acid change (leucine 349 retained).
Molecular consequence: synonymous variant.
Genome position (GRCh38, 1-based): chr22:19,234,631, G>A on the plus strand (C>T on the coding strand, the complement: CLTCL1 is on the minus strand). VCF-style: chr22-19234631-G-A. GRCh37 (hg19) VCF-style: chr22-19222154-G-A.
Other names: c.1045C>T, p.Leu349= (NM_001835.4).
Identifiers: ClinVar variation 3038517 (VCV003038517.2), dbSNP rs200802165, ClinGen allele CA10098815.
Genomic context (GRCh38, chr22:19,234,631, plus strand): 5'-TGAATTTTCTCACAAACAACTTCTCTGCCCCAGCCAGGTTACTACGAACGGCCAAACGCA[G>A]ACCAAGGTCTGGATTCTGAAGCACGTTGGTTGCATAATTCACAATGTTATCTTCCTCAAC-3'
Protein context (NP_009029.3, residues 339-359): TNVLQNPDLG[Leu349=]RLAVRSNLAG

ClinVar aggregate classification (germline): Likely benign (0 of 4 stars; one submission).

Conditions:
CLTCL1-related disorder. Also called: CLTCL1-related condition.

Allele frequency attached by ClinVar (database versions not stated): gnomAD exomes 0.00013; ExAC 0.00032; 1000 Genomes Project 30x 0.00062; ESP Exome Variant Server 0.00074; 1000 Genomes Project 0.00080; gnomAD 0.00100; TOPMed 0.00130.

Submission:

PreventionGenetics, part of Exact Sciences
Classification: Likely benign for CLTCL1-related condition. Last evaluated: 2019-03-21. Review status: no assertion criteria provided. Collection method: clinical testing. Allele origin: germline.
Comment: This variant is classified as likely benign based on ACMG/AMP sequence variant interpretation guidelines (Richards et al. 2015 PMID: 25741868, with internal and published modifications).